The following is an entry in ClinVar:

ClinVar aggregate classification (germline): Uncertain significance (1 of 4 stars; one submission).

Conditions:
Kleefstra syndrome 2 (KLEFS2). Identifiers: MedGen C4540395, MONDO:0054701, OMIM 617768.

gnomAD v4.1: 4 of 1,612,846 alleles (0.00025%); highest among the groups gnomAD compares: South Asian, 0.0044%; no homozygotes.

Submission:

Foundation for Research in Genetics and Endocrinology, FRIGE's Institute of Human Genetics
Classification: Uncertain significance for Kleefstra syndrome 2. Last evaluated: 2025-04-11. Review status: criteria provided, single submitter. Criteria: ACMG Guidelines, 2015. Collection method: clinical testing. Allele origin: germline. Inheritance: Autosomal dominant inheritance. Affected: yes. Observed: 1 heterozygote.
Comment: A heterozygous missense variant in exon 29 of the KMT2C gene that results in an amino acid substitution of Glycine for Aspartic acid at codon 1467 was detected. The observed variant c.4400A>G (p.Asp1467Gly) has not been reported in the 1000 genomes and gnomAD databases but has an MAF of 0.0004% in the Topmed database. The in-silico prediction of the variant are possibly damaging by PolyPhen2, LRT and MutationTaster2. In summary, the variant meets our criteria to be classified as a variant of uncertain significance.

NM_170606.3(KMT2C):c.4400A>G (p.Asp1467Gly)

Gene: KMT2C (lysine methyltransferase 2C; minus strand). Cytogenetic location: 7q36.1.
Variant type: single nucleotide variant.
Coding change: c.4400A>G on transcript NM_170606.3 (MANE Select); coding-DNA position 4400, A replaced by G.
Protein change: p.Asp1467Gly; replaces aspartic acid 1467 with glycine.
Molecular consequence: missense variant.
Genome position (GRCh38, 1-based): chr7:152,194,547, T>C on the plus strand (A>G on the coding strand, the complement: KMT2C is on the minus strand). VCF-style: chr7-152194547-T-C. GRCh37 (hg19) VCF-style: chr7-151891632-T-C.
Other names: p.Asp1467Gly; short protein forms D1467G.
Identifiers: ClinVar variation 3781331 (VCV003781331.1).